The following is an entry in ClinVar:

NM_001110556.2(FLNA):c.1463G>A (p.Arg488Gln)

Gene: FLNA (filamin A; minus strand). Cytogenetic location: Xq28.
Variant type: single nucleotide variant.
Coding change: c.1463G>A on transcript NM_001110556.2 (MANE Select); coding-DNA position 1463, G replaced by A.
Protein change: p.Arg488Gln; replaces arginine 488 with glutamine.
Molecular consequence: missense variant.
Genome position (GRCh38, 1-based): chrX:154,365,453, C>T on the plus strand (G>A on the coding strand, the complement: FLNA is on the minus strand). VCF-style: chrX-154365453-C-T. GRCh37 (hg19) VCF-style: chrX-153593821-C-T.
Other names: c.1463G>A, p.Arg488Gln (NM_001456.4); short protein forms R488Q.
Identifiers: ClinVar variation 959421 (VCV000959421.7), dbSNP rs1315056698, ClinGen allele CA415243516.

ClinVar aggregate classification (germline): Uncertain significance. Review status: criteria provided, multiple submitters, no conflicts (2 of 4 stars). 2 submissions from 2 submitters: Uncertain significance (2). Last evaluated 2021-08-31.

Conditions:
Melnick-Needles syndrome (MNS). Also called: Melnick-Needles Syndrome (FLNA-MNS); OSTEODYSPLASTY OF MELNICK AND NEEDLES; MELNICK-NEEDLES OSTEODYSPLASTY. Identifiers: Orphanet 2484, MedGen C0025237, MONDO:0010650, OMIM 309350.
Heterotopia, periventricular, X-linked dominant (PVNH1). Also called: PERIVENTRICULAR NODULAR HETEROTOPIA 1; X-linked periventricular heterotopia; PERIVENTRICULAR NODULAR HETEROTOPIA 4; HETEROTOPIA, PERIVENTRICULAR, 1. Identifiers: Orphanet 2149, Orphanet 82004, MedGen C1848213, MONDO:0010233, OMIM 300049.
Frontometaphyseal dysplasia (FMD1). Identifiers: Orphanet 1826, MedGen C0265293, MONDO:0015942.
Oto-palato-digital syndrome, type II (OPD2). Also called: Otopalatodigital Syndrome Type 2 (FLNA-OPD2); FACIOPALATOOSSEOUS SYNDROME; OPD II SYNDROME; Otopalatodigital Syndrome, Type II. Identifiers: Orphanet 669, Orphanet 90652, MedGen C1844696, MONDO:0010571, OMIM 304120.
Terminal osseous dysplasia-pigmentary defects syndrome. Also called: ODPD; TERMINAL OSSEOUS DYSPLASIA AND PIGMENTARY DEFECTS; OSSEOUS DYSPLASIA, DIGITAL, WITH FACIAL PIGMENTARY DEFECTS AND MULTIPLE FRENULA; ODPF SYNDROME; Terminal Osseous Dysplasia (FLNA-TOD). Identifiers: Orphanet 88630, MedGen C1846129, MONDO:0010279, OMIM 300244.
Intestinal pseudoobstruction, neuronal, chronic idiopathic, X-linked (CIIPX). Also called: CONGENITAL IDIOPATHIC INTESTINAL PSEUDOOBSTRUCTION; INTESTINAL PSEUDOOBSTRUCTION, NEURONAL, CHRONIC IDIOPATHIC, WITH CENTRAL NERVOUS SYSTEM INVOLVEMENT; FLNA-Related Periventricular Nodular Heterotopia (FLNA-Related PVNH; Huttenlocher Syndrome). Identifiers: Orphanet 2301, MedGen C2746068, MONDO:0010232, OMIM 300048.
Cardiac valvular dysplasia, X-linked (CVDPX). Also called: Congenital valvular dysplasia; VALVULAR HEART DISEASE, CONGENITAL; MYXOMATOUS VALVULAR DYSTROPHY, X-LINKED; FLNA-Related X-linked Cardiac Valvular Dysplasia; Isolated X-Linked Cardiac Valvular Dysplasia. Identifiers: Orphanet 1864, Orphanet 555877, Orphanet 75497, MedGen C0262436, MONDO:0010753, OMIM 314400.
Oto-palato-digital syndrome, type I (OPD1). Also called: Otopalatodigital Syndrome Type 1 (FLNA-OPD1); OPD I SYNDROME; OPD SYNDROME 1; Taybi syndrome; Otopalatodigital Syndrome, Type I. Identifiers: Orphanet 669, Orphanet 90650, MedGen C0265251, MONDO:0010704, OMIM 311300.
Frontometaphyseal dysplasia 1 (FMD1). Also called: Frontometaphyseal Dysplasia (FLNA-FMD). Identifiers: Orphanet 1826, MedGen C4281559, MONDO:0024550, OMIM 305620.
FG syndrome 2 (FGS2). Identifiers: MedGen C1845902, MONDO:0010297, OMIM 300321.

Allele frequency attached by ClinVar (database versions not stated): gnomAD 0.00001; gnomAD exomes 0.00001; TOPMed 0.00001.
gnomAD v4.1: 13 of 1,210,222 alleles (0.0011%); highest among the groups gnomAD compares: Non-Finnish European, 0.0015%; no homozygotes.

Submissions (2):

Labcorp Genetics (formerly Invitae), Labcorp
Classification: Uncertain significance for Oto-palato-digital syndrome, type II; Heterotopia, periventricular, X-linked dominant; Frontometaphyseal dysplasia; Melnick-Needles syndrome. Last evaluated: 2021-08-31. Review status: criteria provided, single submitter. Criteria: Invitae Variant Classification Sherloc (09022015). Collection method: clinical testing. Allele origin: germline.

Juno Genomics, Hangzhou Juno Genomics, Inc
Classification: Uncertain significance for Heterotopia, periventricular, X-linked dominant; Terminal osseous dysplasia-pigmentary defects syndrome; FG syndrome 2; Cardiac valvular dysplasia, X-linked; Intestinal pseudoobstruction, neuronal, chronic idiopathic, X-linked; Frontometaphyseal dysplasia 1; Melnick-Needles syndrome; Oto-palato-digital syndrome, type I; Oto-palato-digital syndrome, type II. Review status: criteria provided, single submitter. Criteria: ACMG Guidelines, 2015. Collection method: clinical testing. Allele origin: germline.
Comment: Absent from controls (or at extremely low frequency if recessive) in Genome Aggregation Database.;Multiple lines of computational evidence support a deleterious effect on the gene or gene product.